The following is an entry in ClinVar:

NM_004304.5(ALK):c.3294T>A (p.Phe1098Leu)

Gene: ALK (ALK receptor tyrosine kinase; minus strand). Cytogenetic location: 2p23.2.
Variant type: single nucleotide variant.
Coding change: c.3294T>A on transcript NM_004304.5 (MANE Select); coding-DNA position 3294, T replaced by A.
Protein change: p.Phe1098Leu; replaces phenylalanine 1098 with leucine.
Molecular consequence: missense variant.
Genome position (GRCh38, 1-based): chr2:29,223,407, A>T on the plus strand (T>A on the coding strand, the complement: ALK is on the minus strand). VCF-style: chr2-29223407-A-T. GRCh37 (hg19) VCF-style: chr2-29446273-A-T.
Other names: c.90T>A, p.Phe30Leu (NM_001353765.2); c.3294T>A (NM_004304.4); short protein forms F1098L, F30L.
Identifiers: ClinVar variation 1401060 (VCV001401060.9), dbSNP rs566982691, ClinGen allele CA1594013.

ClinVar aggregate classification (germline): Uncertain significance. Review status: criteria provided, multiple submitters, no conflicts (2 of 4 stars). 2 submissions from 2 submitters: Uncertain significance (2). Last evaluated 2026-02-12.

Conditions:
Hereditary cancer-predisposing syndrome. Also called: Hereditary neoplastic syndrome; Tumor predisposition; Neoplastic Syndromes, Hereditary; Hereditary Cancer Syndrome. Identifiers: Orphanet 140162, MedGen C0027672, MeSH D009386, MONDO:0015356.
Neuroblastoma, susceptibility to, 3. Also called: ALK-Related Neuroblastic Tumor Susceptibility. Identifiers: Orphanet 635, MedGen C2751681, MONDO:0013083, OMIM 613014.

Allele frequency attached by ClinVar (database versions not stated): gnomAD exomes below 0.00001; ExAC 0.00001; gnomAD 0.00001; 1000 Genomes Project 0.00020; 1000 Genomes Project 30x 0.00031.
gnomAD v4.1: 2 of 1,614,174 alleles (0.00012%); highest among the groups gnomAD compares: South Asian, 0.0022%; no homozygotes.

Submissions (2):

Ambry Genetics
Classification: Uncertain significance for Hereditary cancer-predisposing syndrome. Last evaluated: 2026-02-12. Review status: criteria provided, single submitter. Criteria: Ambry Variant Classification Scheme 2023. Collection method: clinical testing. Allele origin: germline.
Comment: The p.F1098L variant (also known as c.3294T>A), located in coding exon 20 of the ALK gene, results from a T to A substitution at nucleotide position 3294. The phenylalanine at codon 1098 is replaced by leucine, an amino acid with highly similar properties. This amino acid position is highly conserved in available vertebrate species. In addition, the in silico prediction for this alteration is inconclusive. Based on the available evidence, the clinical significance of this variant remains unclear.

Labcorp Genetics (formerly Invitae), Labcorp
Classification: Uncertain significance for Neuroblastoma, susceptibility to, 3. Last evaluated: 2024-07-22. Review status: criteria provided, single submitter. Criteria: Invitae Variant Classification Sherloc (09022015). Collection method: clinical testing. Allele origin: germline.
Comment: This sequence change replaces phenylalanine, which is neutral and non-polar, with leucine, which is neutral and non-polar, at codon 1098 of the ALK protein (p.Phe1098Leu). This variant is present in population databases (rs566982691, gnomAD 0.003%). This variant has not been reported in the literature in individuals affected with ALK-related conditions. ClinVar contains an entry for this variant (Variation ID: 1401060). An algorithm developed to predict the effect of missense changes on protein structure and function (PolyPhen-2) suggests that this variant is likely to be disruptive. In summary, the available evidence is currently insufficient to determine the role of this variant in disease. Therefore, it has been classified as a Variant of Uncertain Significance.